The following is an entry in ClinVar:

ClinVar aggregate classification (germline): Likely benign. Review status: criteria provided, multiple submitters, no conflicts (2 of 4 stars). 2 submissions from 2 submitters: Likely benign (2). Last evaluated 2025-03-29.

Conditions:
TINF2-related disorder. Also called: TINF2-related condition.
Dyskeratosis congenita. Identifiers: Orphanet 1775, MedGen C0265965, MONDO:0015780.

Allele frequency attached by ClinVar (database versions not stated): ExAC 0.00001; gnomAD 0.00001; gnomAD exomes 0.00001 and 0.00002; TOPMed 0.00002.
gnomAD v4.1: 28 of 1,614,098 alleles (0.0017%); highest among the groups gnomAD compares: Non-Finnish European, 0.0024%; no homozygotes.

Submissions (2):

PreventionGenetics, part of Exact Sciences
Classification: Likely benign for TINF2-related condition. Last evaluated: 2025-03-29. Review status: criteria provided, single submitter. Criteria: ACMG Guidelines, 2015. Collection method: clinical testing. Allele origin: germline.
Comment: This variant is classified as likely benign based on ACMG/AMP sequence variant interpretation guidelines (Richards et al. 2015 PMID: 25741868, with internal and published modifications).

Labcorp Genetics (formerly Invitae), Labcorp
Classification: Likely benign for Dyskeratosis congenita. Last evaluated: 2024-12-04. Review status: criteria provided, single submitter. Criteria: Invitae Variant Classification Sherloc (09022015). Collection method: clinical testing. Allele origin: germline.

NM_001099274.3(TINF2):c.1222-5T>G

Gene: TINF2 (TERF1 interacting nuclear factor 2; minus strand). Cytogenetic location: 14q12.
Variant type: single nucleotide variant.
Coding change: c.1222-5T>G on transcript NM_001099274.3 (MANE Select); 5 bases into the intron before coding-DNA position 1222, T replaced by G.
Molecular consequence: intron variant. On other transcripts: 3 prime UTR variant (1).
Genome position (GRCh38, 1-based): chr14:24,239,936, A>C on the plus strand (T>G on the coding strand, the complement: TINF2 is on the minus strand). VCF-style: chr14-24239936-A-C. GRCh37 (hg19) VCF-style: chr14-24709142-A-C.
Other names: c.*479T>G (NM_012461.3); c.1117-5T>G (NM_001363668.2); c.1222-5T>G (NM_001099274.1).
Identifiers: ClinVar variation 1664405 (VCV001664405.9), dbSNP rs763885098, ClinGen allele CA7130437.
Genomic context (GRCh38, chr14:24,239,936, plus strand): 5'-CAGAGAGTGGGTATCAAGGTGTCAAACTTTGTCTTCTGATAGTTTTCCAGAGATTCCTGT[A>C]GAGAAGGGAGCAGGGAGAGCCTACTATCCGAAACCATTCCCTGAACCCTCTGAATTCTGA-3'